The following is an entry in ClinVar:

NM_001290043.2(TAP2):c.63G>A (p.Trp21Ter)

Gene: TAP2 (transporter 2, ATP binding cassette subfamily B member; minus strand). Cytogenetic location: 6p21.32.
Variant type: single nucleotide variant.
Coding change: c.63G>A on transcript NM_001290043.2 (MANE Select); coding-DNA position 63, G replaced by A.
Protein change: p.Trp21Ter; replaces tryptophan 21 with a stop codon.
Molecular consequence: nonsense.
Genome position (GRCh38, 1-based): chr6:32,838,171, C>T on the plus strand (G>A on the coding strand, the complement: TAP2 is on the minus strand). VCF-style: chr6-32838171-C-T. GRCh37 (hg19) VCF-style: chr6-32805948-C-T.
Other names: c.63G>A, p.Trp21Ter (NM_000544.3, NM_018833.3); short protein forms W21*.
Identifiers: ClinVar variation 3013838 (VCV003013838.3), dbSNP rs766586765, ClinGen allele CA3746232.

ClinVar aggregate classification (germline): Pathogenic (1 of 4 stars; one submission).

Conditions:
MHC class I deficiency. Identifiers: Orphanet 34592, MedGen C6024714, MONDO:0011476.

Allele frequency attached by ClinVar (database versions not stated): ExAC 0.00001; gnomAD exomes 0.00001.
gnomAD v4.1: 9 of 1,599,124 alleles (0.00056%); highest among the groups gnomAD compares: African/African-American, 0.0013%; no homozygotes.

Submission:

Labcorp Genetics (formerly Invitae), Labcorp
Classification: Pathogenic for MHC class I deficiency 1. Last evaluated: 2023-10-27. Review status: criteria provided, single submitter. Criteria: Invitae Variant Classification Sherloc (09022015). Collection method: clinical testing. Allele origin: germline.
Comment: This sequence change creates a premature translational stop signal (p.Trp21*) in the TAP2 gene. It is expected to result in an absent or disrupted protein product. Loss-of-function variants in TAP2 are known to be pathogenic (PMID: 7517574, 11529920, 12067308, 23662797). The frequency data for this variant in the population databases is considered unreliable, as metrics indicate poor data quality at this position in the gnomAD database. This variant has not been reported in the literature in individuals affected with TAP2-related conditions. For these reasons, this variant has been classified as Pathogenic.

Literature cited by the submitters: PubMed 7517574; PubMed 11529920; PubMed 12067308; PubMed 23662797.